The following is an entry in ClinVar:

ClinVar aggregate classification (germline): Uncertain significance (1 of 4 stars; one submission).

Allele frequency attached by ClinVar (database versions not stated): TOPMed below 0.00001.
gnomAD v4.1: 1 of 1,614,104 alleles (0.000062%); highest among the groups gnomAD compares: South Asian, 0.0011%; no homozygotes.

Submission:

Ambry Genetics
Classification: Uncertain significance. Last evaluated: 2023-12-11. Review status: criteria provided, single submitter. Criteria: Ambry Variant Classification Scheme 2023. Collection method: clinical testing. Allele origin: germline.
Comment: The p.P418S variant (also known as c.1252C>T), located in coding exon 12 of the RAD54L gene, results from a C to T substitution at nucleotide position 1252. The proline at codon 418 is replaced by serine, an amino acid with similar properties. This amino acid position is conserved. In addition, this alteration is predicted to be tolerated by in silico analysis. Since supporting evidence is limited at this time, the clinical significance of this alteration remains unclear.

NM_003579.4(RAD54L):c.1252C>T (p.Pro418Ser)

Gene: RAD54L (RAD54 like; plus strand). Cytogenetic location: 1p34.1.
Variant type: single nucleotide variant.
Coding change: c.1252C>T on transcript NM_003579.4 (MANE Select); coding-DNA position 1252, C replaced by T.
Protein change: p.Pro418Ser; replaces proline 418 with serine.
Molecular consequence: missense variant.
Genome position (GRCh38, 1-based): chr1:46,272,679, C>T. VCF-style: chr1-46272679-C-T. GRCh37 (hg19) VCF-style: chr1-46738351-C-T.
Other names: c.1252C>T, p.Pro418Ser (NM_001142548.2); c.712C>T, p.Pro238Ser (NM_001370766.1); short protein forms P238S, P418S.
Identifiers: ClinVar variation 3223400 (VCV003223400.1), dbSNP rs752931468, ClinGen allele CA340179087.